The following is an entry in ClinVar:

NM_002292.4(LAMB2):c.3989A>G (p.Tyr1330Cys)

Gene: LAMB2 (laminin subunit beta 2; minus strand). Cytogenetic location: 3p21.31.
Variant type: single nucleotide variant.
Coding change: c.3989A>G on transcript NM_002292.4 (MANE Select); coding-DNA position 3989, A replaced by G.
Protein change: p.Tyr1330Cys; replaces tyrosine 1330 with cysteine.
Molecular consequence: missense variant.
Genome position (GRCh38, 1-based): chr3:49,123,367, T>C on the plus strand (A>G on the coding strand, the complement: LAMB2 is on the minus strand). VCF-style: chr3-49123367-T-C. GRCh37 (hg19) VCF-style: chr3-49160800-T-C.
Other names: short protein forms Y1330C.
Identifiers: ClinVar variation 1917260 (VCV001917260.5), dbSNP rs755309886, ClinGen allele CA2393893.

ClinVar aggregate classification (germline): Uncertain significance (1 of 4 stars; one submission).

Conditions:
LAMB2-related infantile-onset nephrotic syndrome. Also called: Nephrotic Syndrome, type 5; NEPHROTIC SYNDROME, TYPE 5, WITHOUT OCULAR ABNORMALITIES; NEPHROTIC SYNDROME, TYPE 5, WITH OCULAR ABNORMALITIES. Identifiers: Orphanet 306507, MedGen C3280113, MONDO:0013621, OMIM 614199.
Pierson syndrome. Also called: MICROCORIA-CONGENITAL NEPHROTIC SYNDROME. Identifiers: Orphanet 2670, MedGen C1836876, MONDO:0012184, OMIM 609049.

Allele frequency attached by ClinVar (database versions not stated): gnomAD exomes below 0.00001; ExAC 0.00001.
gnomAD v4.1: 2 of 1,613,992 alleles (0.00012%); highest among the groups gnomAD compares: Non-Finnish European, 0.00017%; no homozygotes.

Submission:

Labcorp Genetics (formerly Invitae), Labcorp
Classification: Uncertain significance for LAMB2-related infantile-onset nephrotic syndrome; Pierson syndrome. Last evaluated: 2022-11-29. Review status: criteria provided, single submitter. Criteria: Invitae Variant Classification Sherloc (09022015). Collection method: clinical testing. Allele origin: germline.
Comment: Algorithms developed to predict the effect of missense changes on protein structure and function (SIFT, PolyPhen-2, Align-GVGD) all suggest that this variant is likely to be disruptive. This sequence change replaces tyrosine, which is neutral and polar, with cysteine, which is neutral and slightly polar, at codon 1330 of the LAMB2 protein (p.Tyr1330Cys). This variant is present in population databases (rs755309886, gnomAD 0.0009%). This variant has not been reported in the literature in individuals affected with LAMB2-related conditions. In summary, the available evidence is currently insufficient to determine the role of this variant in disease. Therefore, it has been classified as a Variant of Uncertain Significance.